The following is an entry in ClinVar:

ClinVar aggregate classification (germline): Likely pathogenic (1 of 4 stars; one submission).

Conditions:
Intellectual developmental disorder, X-linked, syndromic, Billuart type. Also called: MENTAL RETARDATION, X-LINKED 60; X-linked intellectual disability-cerebellar hypoplasia syndrome. Identifiers: Orphanet 137831, MedGen C1845366, MONDO:0010337, OMIM 300486.

Submission:

Variantyx, Inc.
Classification: Likely pathogenic for Intellectual developmental disorder, X-linked, syndromic, Billuart type. Last evaluated: 2026-01-09. Review status: criteria provided, single submitter. Criteria: Variantyx Assertion Criteria 2022. Collection method: clinical testing. Allele origin: maternal. Inheritance: X-linked recessive inheritance.
Comment: This is a frameshift variant in the OPHN1 gene (OMIM: 300127). Pathogenic variants in this gene have been associated with X-linked Billuart-type syndromic intellectual developmental disorder. This variant introduces a premature termination codon in exon 11 out of 25 and is expected to result in loss of function, which is a known disease mechanism for OPHN1 in this disorder (PMID: 16221952, 29510240, 12807966, 16158428) (PVS1). This variant is absent from control populations (PM2) and has not been reported in individuals with OPHN1-related disorders in the databases available for review. Based on the current evidence, this variant is classified as likely pathogenic for X-linked Billuart-type syndromic intellectual developmental disorder.

Literature cited by the submitters: PubMed 16221952; PubMed 29510240; PubMed 12807966; PubMed 16158428.

NM_002547.3(OPHN1):c.939del (p.Leu314fs)

Gene: OPHN1 (oligophrenin 1; minus strand). Cytogenetic location: Xq12.
Variant type: Deletion.
Coding change: c.939del on transcript NM_002547.3 (MANE Select); coding-DNA position 939, one base deleted (C; older notation c.939delC).
Protein change: p.Leu314fs; shifts the reading frame from leucine 314.
Molecular consequence: frameshift variant.
Genome position (GRCh38, 1-based): chrX:68,201,705, G deleted on the plus strand (C on the coding strand, the reverse complement: OPHN1 is on the minus strand); the first of 3 consecutive G bases (chrX:68,201,705-68,201,707); deleting any one gives the same sequence. VCF-style (leftmost placement, unchanged base first): chrX-68201704-AG-A. GRCh37 (hg19) VCF-style: chrX-67421546-AG-A.
Other names: c.939del, p.Leu314fs (NM_001437258.1); short protein forms L314fs.
Identifiers: ClinVar variation 4795919 (VCV004795919.1).